The following is an entry in ClinVar:

NM_001099271.2(POC5):c.1135G>A (p.Asp379Asn)

Gene: POC5 (POC5 centriolar protein; minus strand). Cytogenetic location: 5q13.3.
Variant type: single nucleotide variant.
Coding change: c.1135G>A on transcript NM_001099271.2 (MANE Select); coding-DNA position 1135, G replaced by A.
Protein change: p.Asp379Asn; replaces aspartic acid 379 with asparagine.
Molecular consequence: missense variant.
Genome position (GRCh38, 1-based): chr5:75,685,479, C>T on the plus strand (G>A on the coding strand, the complement: POC5 is on the minus strand). VCF-style: chr5-75685479-C-T. GRCh37 (hg19) VCF-style: chr5-74981304-C-T.
Other names: c.1060G>A, p.Asp354Asn (NM_152408.3); short protein forms D354N, D379N.
Identifiers: ClinVar variation 2015797 (VCV002015797.4), dbSNP rs769743688, ClinGen allele CA360145084.

ClinVar aggregate classification (germline): Uncertain significance (1 of 4 stars; one submission).

Submission:

Labcorp Genetics (formerly Invitae), Labcorp
Classification: Uncertain significance. Last evaluated: 2024-11-05. Review status: criteria provided, single submitter. Criteria: Invitae Variant Classification Sherloc (09022015). Collection method: clinical testing. Allele origin: germline.
Comment: This sequence change replaces aspartic acid, which is acidic and polar, with asparagine, which is neutral and polar, at codon 379 of the POC5 protein (p.Asp379Asn). This variant is not present in population databases (gnomAD no frequency). This variant has not been reported in the literature in individuals affected with POC5-related conditions. ClinVar contains an entry for this variant (Variation ID: 2015797). An algorithm developed to predict the effect of missense changes on protein structure and function (PolyPhen-2) suggests that this variant is likely to be disruptive. In summary, the available evidence is currently insufficient to determine the role of this variant in disease. Therefore, it has been classified as a Variant of Uncertain Significance.